The following is an entry in ClinVar:

NM_002528.7(NTHL1):c.662C>G (p.Ala221Gly)

Gene: NTHL1 (nth like DNA glycosylase 1; minus strand). Cytogenetic location: 16p13.3.
Variant type: single nucleotide variant.
Coding change: c.662C>G on transcript NM_002528.7 (MANE Select); coding-DNA position 662, C replaced by G.
Protein change: p.Ala221Gly; replaces alanine 221 with glycine.
Molecular consequence: missense variant.
Genome position (GRCh38, 1-based): chr16:2,043,590, G>C on the plus strand (C>G on the coding strand, the complement: NTHL1 is on the minus strand). VCF-style: chr16-2043590-G-C. GRCh37 (hg19) VCF-style: chr16-2093591-G-C.
Other names: c.491C>G, p.Ala164Gly (NM_001318193.2); c.332C>G, p.Ala111Gly (NM_001318194.2); c.686C>G (NM_002528.5); short protein forms A164G, A111G, A221G.
Identifiers: ClinVar variation 2832391 (VCV002832391.4), dbSNP rs2150941182, ClinGen allele CA394290973.

ClinVar aggregate classification (germline): Uncertain significance. Review status: criteria provided, multiple submitters, no conflicts (2 of 4 stars). 2 submissions from 2 submitters: Uncertain significance (2). Last evaluated 2026-04-28.

Conditions:
Hereditary cancer-predisposing syndrome. Also called: Hereditary neoplastic syndrome; Neoplastic Syndromes, Hereditary; Tumor predisposition; Hereditary Cancer Syndrome. Identifiers: Orphanet 140162, MedGen C0027672, MeSH D009386, MONDO:0015356.

Submissions (2):

Ambry Genetics
Classification: Uncertain significance for Hereditary cancer-predisposing syndrome. Last evaluated: 2026-04-28. Review status: criteria provided, single submitter. Criteria: Ambry Variant Classification Scheme 2023. Collection method: clinical testing. Allele origin: germline.
Comment: The p.A229G variant (also known as c.686C>G), located in coding exon 4 of the NTHL1 gene, results from a C to G substitution at nucleotide position 686. The alanine at codon 229 is replaced by glycine, an amino acid with similar properties. This amino acid position is conserved. In addition, the in silico prediction for this alteration is inconclusive. Based on the available evidence, the clinical significance of this variant remains unclear.

Labcorp Genetics (formerly Invitae), Labcorp
Classification: Uncertain significance. Last evaluated: 2023-01-28. Review status: criteria provided, single submitter. Criteria: Invitae Variant Classification Sherloc (09022015). Collection method: clinical testing. Allele origin: germline.
Comment: In summary, the available evidence is currently insufficient to determine the role of this variant in disease. Therefore, it has been classified as a Variant of Uncertain Significance. An algorithm developed to predict the effect of missense changes on protein structure and function (PolyPhen-2) suggests that this variant is likely to be tolerated. This variant has not been reported in the literature in individuals affected with NTHL1-related conditions. This variant is not present in population databases (gnomAD no frequency). This sequence change replaces alanine, which is neutral and non-polar, with glycine, which is neutral and non-polar, at codon 229 of the NTHL1 protein (p.Ala229Gly).